The following is an entry in ClinVar:

ClinVar aggregate classification (germline): Benign/Likely benign. Review status: criteria provided, multiple submitters, no conflicts (2 of 4 stars). 3 submissions from 3 submitters: Benign (1); Likely benign (1). 1 of the submissions does not count toward it. Last evaluated 2023-08-31.

Conditions:
Peroxisome biogenesis disorder 9B. Also called: PEX7-Related Refsum Disease; PEROXISOME BIOGENESIS DISORDER, PEX7-RELATED, ATYPICAL; Refsum disease, adult, 2. Identifiers: Orphanet 773, MedGen C2749346, MONDO:0013945, OMIM 614879.
PEX7-related disorder. Also called: PEX7-related condition; PEX7-related disorders. Identifiers: MedGen CN239409.

Submissions (3):

Labcorp Genetics (formerly Invitae), Labcorp
Classification: Benign for Peroxisome biogenesis disorder 9B. Last evaluated: 2023-08-31. Review status: criteria provided, single submitter. Criteria: Invitae Variant Classification Sherloc (09022015). Collection method: clinical testing. Allele origin: germline.

Blueprint Genetics
Classification: Likely benign. Last evaluated: 2023-07-27. Review status: criteria provided, single submitter. Criteria: ACMG Guidelines, 2015. Collection method: clinical testing. Allele origin: germline.

PreventionGenetics, part of Exact Sciences
Classification: Likely benign for PEX7-related condition. Last evaluated: 2023-11-22. Review status: no assertion criteria provided. Collection method: clinical testing. Allele origin: germline. Not counted in ClinVar's aggregate classification.
Comment: This variant is classified as likely benign based on ACMG/AMP sequence variant interpretation guidelines (Richards et al. 2015 PMID: 25741868, with internal and published modifications).

NM_000288.4(PEX7):c.748-6_748-5dup

Gene: PEX7 (peroxisomal biogenesis factor 7; plus strand). Cytogenetic location: 6q23.3.
Variant type: Duplication.
Coding change: c.748-6_748-5dup on transcript NM_000288.4 (MANE Select); 6 bases into the intron before coding-DNA position 748 through 5 bases into the intron before coding-DNA position 748, 2 bases duplicated (TT; older notation c.748-6_748-5dupTT).
Molecular consequence: intron variant.
Genome position (GRCh38, 1-based): chr6:136,872,192-136,872,193, TT duplicated; duplicating any 2 consecutive bases within chr6:136,872,183-136,872,193 gives the same sequence; the c. name uses the placement nearest the transcript's 3' end. VCF-style (leftmost placement, unchanged base first): chr6-136872182-C-CTT. GRCh37 (hg19) VCF-style: chr6-137193320-C-CTT.
Other names: c.634-6_634-5dup (NM_001410945.1); c.748-6_748-5dupTT (NM_000288.3).
Identifiers: ClinVar variation 2999035 (VCV002999035.6), dbSNP rs563675060, ClinGen allele CA148202508.
Genomic context (GRCh38, chr6:136,872,182, plus strand): 5'-GGAATGATCATAGAAAGCAGTGTTATAATCACAGCTGACTTCAAAAAGGGTTTTTTTTTT[C>CTT]TTTTTTTTTTTGTAGTTTTCACCATTTCATGCTTCTGTGCTGGCCTCTTGCTCGTATGAT-3'